The following is an entry in ClinVar:

NM_003036.4(SKI):c.1963G>A (p.Glu655Lys)

Gene: SKI (SKI proto-oncogene; plus strand). Cytogenetic location: 1p36.32.
Variant type: single nucleotide variant.
Coding change: c.1963G>A on transcript NM_003036.4 (MANE Select); coding-DNA position 1963, G replaced by A.
Protein change: p.Glu655Lys; replaces glutamic acid 655 with lysine.
Molecular consequence: missense variant.
Genome position (GRCh38, 1-based): chr1:2,306,215, G>A. VCF-style: chr1-2306215-G-A. GRCh37 (hg19) VCF-style: chr1-2237654-G-A.
Other names: short protein forms E655K.
Identifiers: ClinVar variation 1783486 (VCV001783486.4), dbSNP rs2521514735, ClinGen allele CA337959273.

ClinVar aggregate classification (germline): Uncertain significance. Review status: criteria provided, multiple submitters, no conflicts (2 of 4 stars). 2 submissions from 2 submitters: Uncertain significance (2). Last evaluated 2025-03-23.

Conditions:
Shprintzen-Goldberg syndrome (SGS). Also called: CRANIOSYNOSTOSIS WITH ARACHNODACTYLY AND ABDOMINAL HERNIAS; SHPRINTZEN-GOLDBERG CRANIOSYNOSTOSIS SYNDROME; Marfanoid disorder with craniosynostosis type 1; Marfanoid craniosynostosis syndrome; Shprintzen-Goldberg marfanoid syndrome. Identifiers: Orphanet 2462, MedGen C1321551, MONDO:0008426, OMIM 182212.
Familial thoracic aortic aneurysm and aortic dissection (TAAD). Also called: Thoracic aortic aneurysms and dissections. Identifiers: Orphanet 91387, MedGen C4707243, MONDO:0019625.

Submissions (2):

Labcorp Genetics (formerly Invitae), Labcorp
Classification: Uncertain significance for Shprintzen-Goldberg syndrome. Last evaluated: 2025-03-23. Review status: criteria provided, single submitter. Criteria: Invitae Variant Classification Sherloc (09022015). Collection method: clinical testing. Allele origin: germline.
Comment: This sequence change replaces glutamic acid, which is acidic and polar, with lysine, which is basic and polar, at codon 655 of the SKI protein (p.Glu655Lys). This variant is not present in population databases (gnomAD no frequency). This variant has not been reported in the literature in individuals affected with SKI-related conditions. ClinVar contains an entry for this variant (Variation ID: 1783486). Invitae Evidence Modeling of protein sequence and biophysical properties (such as structural, functional, and spatial information, amino acid conservation, physicochemical variation, residue mobility, and thermodynamic stability) indicates that this missense variant is expected to disrupt SKI protein function with a positive predictive value of 95%. In summary, the available evidence is currently insufficient to determine the role of this variant in disease. Therefore, it has been classified as a Variant of Uncertain Significance.

Ambry Genetics
Classification: Uncertain significance for Familial thoracic aortic aneurysm and aortic dissection. Last evaluated: 2024-09-20. Review status: criteria provided, single submitter. Criteria: Ambry Variant Classification Scheme 2023. Collection method: clinical testing. Allele origin: germline.
Comment: The p.E655K variant (also known as c.1963G>A), located in coding exon 6 of the SKI gene, results from a G to A substitution at nucleotide position 1963. The glutamic acid at codon 655 is replaced by lysine, an amino acid with similar properties. This amino acid position is conserved. In addition, this alteration is predicted to be deleterious by in silico analysis. Since supporting evidence is limited at this time, the clinical significance of this alteration remains unclear.